The following is an entry in ClinVar:

NM_198578.4(LRRK2):c.4986A>G (p.Ile1662Met)

Gene: LRRK2 (leucine rich repeat kinase 2; plus strand). Cytogenetic location: 12q12.
Variant type: single nucleotide variant.
Coding change: c.4986A>G on transcript NM_198578.4 (MANE Select); coding-DNA position 4986, A replaced by G.
Protein change: p.Ile1662Met; replaces isoleucine 1662 with methionine.
Molecular consequence: missense variant.
Genome position (GRCh38, 1-based): chr12:40,320,146, A>G. VCF-style: chr12-40320146-A-G. GRCh37 (hg19) VCF-style: chr12-40713948-A-G.
Other names: short protein forms I1662M.
Identifiers: ClinVar variation 2567436 (VCV002567436.2), dbSNP rs2499874019, ClinGen allele CA384419729.

ClinVar aggregate classification (germline): Uncertain significance (1 of 4 stars; one submission).

Conditions:
Inborn genetic diseases. Identifiers: MedGen C0950123, MeSH D030342.

Allele frequency attached by ClinVar (database versions not stated): gnomAD exomes below 0.00001.
gnomAD v4.1: 1 of 1,612,278 alleles (0.000062%); highest among the groups gnomAD compares: Non-Finnish European, 0.000085%; no homozygotes.

Submission:

Ambry Genetics
Classification: Uncertain significance for Inborn genetic diseases. Last evaluated: 2023-06-01. Review status: criteria provided, single submitter. Criteria: Ambry Variant Classification Scheme 2023. Collection method: clinical testing. Allele origin: germline.
Comment: The p.I1662M variant (also known as c.4986A>G), located in coding exon 34 of the LRRK2 gene, results from an A to G substitution at nucleotide position 4986. The isoleucine at codon 1662 is replaced by methionine, an amino acid with highly similar properties. This amino acid position is conserved. In addition, this alteration is predicted to be tolerated by in silico analysis. Since supporting evidence is limited at this time, the clinical significance of this alteration remains unclear.